The following is an entry in ClinVar:

ClinVar aggregate classification (germline): Uncertain significance (1 of 4 stars; one submission).

Allele frequency attached by ClinVar (database versions not stated): gnomAD exomes below 0.00001.
gnomAD v4.1: 6 of 1,613,570 alleles (0.00037%); highest among the groups gnomAD compares: Non-Finnish European, 0.00051%; no homozygotes.

Submission:

Labcorp Genetics (formerly Invitae), Labcorp
Classification: Uncertain significance. Last evaluated: 2022-07-15. Review status: criteria provided, single submitter. Criteria: Invitae Variant Classification Sherloc (09022015). Collection method: clinical testing. Allele origin: germline.
Comment: In summary, the available evidence is currently insufficient to determine the role of this variant in disease. Therefore, it has been classified as a Variant of Uncertain Significance. Algorithms developed to predict the effect of sequence changes on RNA splicing suggest that this variant may create or strengthen a splice site. Algorithms developed to predict the effect of missense changes on protein structure and function are either unavailable or do not agree on the potential impact of this missense change (SIFT: "Deleterious"; PolyPhen-2: "Benign"; Align-GVGD: "Class C0"). This variant has not been reported in the literature in individuals affected with STAT4-related conditions. This variant is not present in population databases (gnomAD no frequency). This sequence change replaces glutamic acid, which is acidic and polar, with valine, which is neutral and non-polar, at codon 200 of the STAT4 protein (p.Glu200Val).

NM_003151.4(STAT4):c.599A>T (p.Glu200Val)

Gene: STAT4 (signal transducer and activator of transcription 4; minus strand). Cytogenetic location: 2q32.2.
Variant type: single nucleotide variant.
Coding change: c.599A>T on transcript NM_003151.4 (MANE Select); coding-DNA position 599, A replaced by T.
Protein change: p.Glu200Val; replaces glutamic acid 200 with valine.
Molecular consequence: missense variant.
Genome position (GRCh38, 1-based): chr2:191,066,461, T>A on the plus strand (A>T on the coding strand, the complement: STAT4 is on the minus strand). VCF-style: chr2-191066461-T-A. GRCh37 (hg19) VCF-style: chr2-191931187-T-A.
Other names: c.599A>T, p.Glu200Val (NM_001243835.2); short protein forms E200V.
Identifiers: ClinVar variation 1715188 (VCV001715188.6), dbSNP rs2470779371, ClinGen allele CA349917903.